The following is an entry in ClinVar:

ClinVar aggregate classification (germline): Uncertain significance. Review status: criteria provided, multiple submitters, no conflicts (2 of 4 stars). 2 submissions from 2 submitters: Uncertain significance (2). Last evaluated 2024-06-30.

Conditions:
Hereditary sensory and autonomic neuropathy type 1 (HSAN1). Also called: HSAN 1; HSN Type I; Hereditary Sensory Neuropathy Type I. Identifiers: Orphanet 36386, MedGen C0020071, MONDO:0018213.

Allele frequency attached by ClinVar (database versions not stated): gnomAD exomes 0.00001; TOPMed below 0.00001.
gnomAD v4.1: 13 of 1,614,152 alleles (0.00081%); highest among the groups gnomAD compares: Non-Finnish European, 0.0011%; no homozygotes.

Submissions (2):

Labcorp Genetics (formerly Invitae), Labcorp
Classification: Uncertain significance for Hereditary sensory and autonomic neuropathy type 1. Last evaluated: 2024-06-30. Review status: criteria provided, single submitter. Criteria: Invitae Variant Classification Sherloc (09022015). Collection method: clinical testing. Allele origin: germline.
Comment: This sequence change affects an acceptor splice site in intron 14 of the SPTLC1 gene. It is expected to disrupt RNA splicing. Variants that disrupt the donor or acceptor splice site typically lead to a loss of protein function (PMID: 16199547), however the current clinical and genetic evidence is not sufficient to establish whether loss-of-function variants in SPTLC1 cause disease. This variant is present in population databases (rs756268983, gnomAD 0.002%). This variant has not been reported in the literature in individuals affected with SPTLC1-related conditions. ClinVar contains an entry for this variant (Variation ID: 1303877). Algorithms developed to predict the effect of sequence changes on RNA splicing suggest that this variant may disrupt the consensus splice site. In summary, the available evidence is currently insufficient to determine the role of this variant in disease. Therefore, it has been classified as a Variant of Uncertain Significance.

GeneDx
Classification: Uncertain significance. Last evaluated: 2019-07-23. Review status: criteria provided, single submitter. Criteria: GeneDx Variant Classification Process June 2021. Collection method: clinical testing. Allele origin: germline. Affected: yes.
Comment: Canonical splice site variant expected to result in aberrant splicing, though splice outcome is unknown; Has not been previously published as pathogenic or benign to our knowledge

Literature cited by the submitters: PubMed 16199547 (cited by Labcorp Genetics (formerly Invitae), Labcorp).

NM_006415.4(SPTLC1):c.1329-1G>T

Gene: SPTLC1 (serine palmitoyltransferase long chain base subunit 1; minus strand). Cytogenetic location: 9q22.31.
Variant type: single nucleotide variant.
Coding change: c.1329-1G>T on transcript NM_006415.4 (MANE Select); the canonical splice acceptor site of the intron before coding-DNA position 1329, G replaced by T.
Molecular consequence: splice acceptor variant. On other transcripts: intron variant (1).
Genome position (GRCh38, 1-based): chr9:92,032,559, C>A on the plus strand (G>T on the coding strand, the complement: SPTLC1 is on the minus strand). VCF-style: chr9-92032559-C-A. GRCh37 (hg19) VCF-style: chr9-94794841-C-A.
Other names: c.1329-33G>T (NM_001281303.2); c.963-1G>T (NM_001368272.1); c.864-1G>T (NM_001368273.1).
Identifiers: ClinVar variation 1303877 (VCV001303877.7), dbSNP rs756268983, ClinGen allele CA195376753.
Genomic context (GRCh38, chr9:92,032,559, plus strand): 5'-GTGGACGCAGCTCTCTCCAGTTCTTCCTCTGTTTGTTCCACCGTGACCACAACCCGAATG[C>A]TGAGAACAGTAAAGGACACAAAGAATTATCTTTGTGGGCCAGGCGCAGTGGCTCACGCCT-3'